The following is an entry in ClinVar:

NM_000153.4(GALC):c.300_301delinsTT (p.Glu101Ter)

Gene: GALC (galactosylceramidase; minus strand). Cytogenetic location: 14q31.3.
Variant type: Indel.
Coding change: c.300_301delinsTT on transcript NM_000153.4 (MANE Select); coding-DNA positions 300 to 301, GG replaced by TT.
Protein change: p.Glu101Ter; replaces glutamic acid 101 with a stop codon.
Molecular consequence: nonsense. On other transcripts: 5 prime UTR variant (4), non-coding transcript variant (1).
Genome position (GRCh38, 1-based): chr14:87,988,171-87,988,172, CC replaced by AA on the plus strand (GG replaced by TT on the coding strand, the reverse complement: GALC is on the minus strand). VCF-style: chr14-87988171-CC-AA. GRCh37 (hg19) VCF-style: chr14-88454515-CC-AA.
Other names: c.231_232delinsTT, p.Glu78Ter (NM_001201401.2); c.222_223delinsTT, p.Glu75Ter (NM_001201402.2); c.132_133delinsTT, p.Glu45Ter (NM_001424071.1, NM_001424072.1, NM_001424073.1); c.-49_-48delinsTT (NM_001424074.1); c.-137_-136delinsTT (NM_001424075.1); c.-368_-367delinsTT (NM_001424076.1, NM_001424077.1); short protein forms E101*, E45*, E75*, E78*.
Identifiers: ClinVar variation 4817604 (VCV004817604.1).

ClinVar aggregate classification (germline): Likely pathogenic (1 of 4 stars; one submission).

Conditions:
Galactosylceramide beta-galactosidase deficiency. Also called: Leukodystrophy, Globoid Cell; Krabbe Disease; GALACTOCEREBROSIDASE DEFICIENCY; GALC DEFICIENCY; GLOBOID CELL LEUKOENCEPHALOPATHY. Identifiers: Orphanet 487, MedGen C0023521, MONDO:0009499, OMIM 245200.

Submission:

Natera, Inc.
Classification: Likely pathogenic for Galactosylceramide beta-galactosidase deficiency. Last evaluated: 2024-09-16. Review status: criteria provided, single submitter. Criteria: Natera Variant Classification Schema (03/2026). Collection method: clinical testing. Allele origin: germline.
Comment: The c.300_301delinsTT variant in GALC is a deletion-insertion (delins) variant predicted to replace one or more nucleotides with a different sequence. This variant is expected to result in nonsense mediated decay, truncation, or a dysfunctional protein product. This variant is rare in the general population with a frequency below the threshold expected for the associated phenotype(s). Given the available evidence, this variant is classified as Likely Pathogenic.